The following is an entry in ClinVar:

ClinVar aggregate classification (germline): Uncertain significance (1 of 4 stars; one submission).

Allele frequency attached by ClinVar (database versions not stated): gnomAD exomes 0.00001.
gnomAD v4.1: 6 of 1,568,286 alleles (0.00038%); highest among the groups gnomAD compares: Non-Finnish European, 0.00052%; no homozygotes.

Submission:

Labcorp Genetics (formerly Invitae), Labcorp
Classification: Uncertain significance. Last evaluated: 2024-01-25. Review status: criteria provided, single submitter. Criteria: Invitae Variant Classification Sherloc (09022015). Collection method: clinical testing. Allele origin: germline.
Comment: This sequence change replaces leucine, which is neutral and non-polar, with valine, which is neutral and non-polar, at codon 1209 of the ERBIN protein (p.Leu1209Val). This variant is not present in population databases (gnomAD no frequency). This variant has not been reported in the literature in individuals affected with ERBIN-related conditions. An algorithm developed to predict the effect of missense changes on protein structure and function (PolyPhen-2) suggests that this variant is likely to be disruptive. Algorithms developed to predict the effect of sequence changes on RNA splicing suggest that this variant may create or strengthen a splice site. In summary, the available evidence is currently insufficient to determine the role of this variant in disease. Therefore, it has been classified as a Variant of Uncertain Significance.

NM_001253697.2(ERBIN):c.3625T>G (p.Leu1209Val)

Gene: ERBIN (erbb2 interacting protein; plus strand). Cytogenetic location: 5q12.3.
Variant type: single nucleotide variant.
Coding change: c.3625T>G on transcript NM_001253697.2 (MANE Select); coding-DNA position 3625, T replaced by G.
Protein change: p.Leu1209Val; replaces leucine 1209 with valine.
Molecular consequence: missense variant.
Genome position (GRCh38, 1-based): chr5:66,054,943, T>G. VCF-style: chr5-66054943-T-G. GRCh37 (hg19) VCF-style: chr5-65350771-T-G.
Other names: c.3625T>G, p.Leu1209Val (NM_001006600.3, NM_001253698.2, NM_001253699.2 and 1 more transcripts); c.3613T>G, p.Leu1205Val (NM_001253701.2); short protein forms L1205V, L1209V.
Identifiers: ClinVar variation 2829959 (VCV002829959.3), dbSNP rs893637235, ClinGen allele CA119869000.